The following is an entry in ClinVar:

NM_006766.5(KAT6A):c.4836G>A (p.Met1612Ile)

Gene: KAT6A (lysine acetyltransferase 6A; minus strand). Cytogenetic location: 8p11.21.
Variant type: single nucleotide variant.
Coding change: c.4836G>A on transcript NM_006766.5 (MANE Select); coding-DNA position 4836, G replaced by A.
Protein change: p.Met1612Ile; replaces methionine 1612 with isoleucine.
Molecular consequence: missense variant.
Genome position (GRCh38, 1-based): chr8:41,933,384, C>T on the plus strand (G>A on the coding strand, the complement: KAT6A is on the minus strand). VCF-style: chr8-41933384-C-T. GRCh37 (hg19) VCF-style: chr8-41790902-C-T.
Other names: short protein forms M1612I.
Identifiers: ClinVar variation 3657329 (VCV003657329.2).

ClinVar aggregate classification (germline): Uncertain significance (1 of 4 stars; one submission).

Submission:

Labcorp Genetics (formerly Invitae), Labcorp
Classification: Uncertain significance. Last evaluated: 2024-06-21. Review status: criteria provided, single submitter. Criteria: Invitae Variant Classification Sherloc (09022015). Collection method: clinical testing. Allele origin: germline.
Comment: This sequence change replaces methionine, which is neutral and non-polar, with isoleucine, which is neutral and non-polar, at codon 1612 of the KAT6A protein (p.Met1612Ile). This variant is not present in population databases (gnomAD no frequency). This variant has not been reported in the literature in individuals affected with KAT6A-related conditions. Algorithms developed to predict the effect of missense changes on protein structure and function output the following: SIFT: "Not Available"; PolyPhen-2: "Not Available"; Align-GVGD: "Not Available". The isoleucine amino acid residue is found in multiple mammalian species, which suggests that this missense change does not adversely affect protein function. In summary, the available evidence is currently insufficient to determine the role of this variant in disease. Therefore, it has been classified as a Variant of Uncertain Significance.